The following is an entry in ClinVar:

ClinVar aggregate classification (germline): Pathogenic/Likely pathogenic. Review status: criteria provided, multiple submitters, no conflicts (2 of 4 stars). 6 submissions from 6 submitters: Pathogenic (2); Likely pathogenic (3). 1 of the submissions does not count toward it. Last evaluated 2025-04-27.

Conditions:
Spastic paraplegia. Identifiers: MedGen C0037772, HP:0001258.
Charlevoix-Saguenay spastic ataxia (SACS). Also called: AUTOSOMAL RECESSIVE SPASTIC ATAXIA OF CHARLEVOIX-SAGUENAY; SPASTIC ATAXIA 6, AUTOSOMAL RECESSIVE; Spastic ataxia of Charlevoix-Saguenay. Identifiers: Orphanet 98, MedGen C1849140, MONDO:0010041, OMIM 270550.

Submissions (6):

Labcorp Genetics (formerly Invitae), Labcorp
Classification: Pathogenic for Spastic paraplegia. Last evaluated: 2025-04-27. Review status: criteria provided, single submitter. Criteria: Invitae Variant Classification Sherloc (09022015). Collection method: clinical testing. Allele origin: germline.
Comment: This sequence change creates a premature translational stop signal (p.Ile1867Trpfs*29) in the SACS gene. While this is not anticipated to result in nonsense mediated decay, it is expected to disrupt the last 2713 amino acid(s) of the SACS protein. This variant is not present in population databases (gnomAD no frequency). This variant has not been reported in the literature in individuals affected with SACS-related conditions. ClinVar contains an entry for this variant (Variation ID: 558554). This variant disrupts a region of the SACS protein in which other variant(s) (p.Arg3903*) have been determined to be pathogenic (PMID: 19892370, 21745802). This suggests that this is a clinically significant region of the protein, and that variants that disrupt it are likely to be disease-causing. For these reasons, this variant has been classified as Pathogenic.

Athena Diagnostics
Classification: Pathogenic. Last evaluated: 2024-11-22. Review status: criteria provided, single submitter. Criteria: Athena Diagnostics Criteria. Collection method: clinical testing. Allele origin: unknown.
Comment: This variant is not expected to cause loss of protein expression through nonsense-mediated decay. However, it disrupts a critical region of the protein, and therefore, is expected to severely disrupt function. This variant has not been reported in large, multi-ethnic general populations. This variant has been identified in at least one individual tested at Athena Diagnostics with clinical features associated with this gene.

Fulgent Genetics
Classification: Likely pathogenic for Charlevoix-Saguenay spastic ataxia. Last evaluated: 2024-06-22. Review status: criteria provided, single submitter. Criteria: ACMG Guidelines, 2015. Collection method: clinical testing. Allele origin: germline.

Baylor Genetics
Classification: Likely pathogenic for Charlevoix-Saguenay spastic ataxia. Last evaluated: 2023-12-21. Review status: criteria provided, single submitter. Criteria: ACMG Guidelines, 2015. Collection method: clinical testing. Allele origin: unknown.

Genome-Nilou Lab
Classification: Likely pathogenic for Charlevoix-Saguenay spastic ataxia. Last evaluated: 2021-09-05. Review status: criteria provided, single submitter. Criteria: ACMG Guidelines, 2015. Collection method: clinical testing. Allele origin: germline. Affected: no.

Counsyl
Classification: Likely pathogenic for Charlevoix-Saguenay spastic ataxia. Last evaluated: 2018-05-30. Review status: no assertion criteria provided. Collection method: clinical testing. Allele origin: unknown. Not counted in ClinVar's aggregate classification.

Literature cited by the submitters: PubMed 19892370 (cited by Labcorp Genetics (formerly Invitae), Labcorp); PubMed 21745802 (cited by Labcorp Genetics (formerly Invitae), Labcorp).

NM_014363.6(SACS):c.5598_5599del (p.Ile1867fs)

Gene: SACS (sacsin molecular chaperone; minus strand). Cytogenetic location: 13q12.12.
Variant type: Microsatellite.
Coding change: c.5598_5599del on transcript NM_014363.6 (MANE Select); coding-DNA positions 5598 to 5599, 2 bases deleted (CA; older notation c.5598_5599delCA).
Protein change: p.Ile1867fs; shifts the reading frame from isoleucine 1867.
Molecular consequence: frameshift variant.
Genome position (GRCh38, 1-based): chr13:23,338,277-23,338,278, TG deleted on the plus strand (CA on the coding strand, the reverse complement: SACS is on the minus strand); deleting any 2 consecutive bases within chr13:23,338,277-23,338,282 gives the same sequence; the c. name uses the placement nearest the transcript's 3' end. VCF-style (leftmost placement, unchanged base first): chr13-23338276-ATG-A. GRCh37 (hg19) VCF-style: chr13-23912415-ATG-A.
Other names: c.5157_5158del, p.Ile1720fs (NM_001278055.2); c.5598_5599del (NM_014363.4); short protein forms I1867fs, I1720fs.
Identifiers: ClinVar variation 558554 (VCV000558554.13), dbSNP rs1555252086, ClinGen allele CA658823448.